The following is an entry in ClinVar:

NM_144773.4(PROKR2):c.868C>T (p.Pro290Ser)

Gene: PROKR2 (prokineticin receptor 2; minus strand). Cytogenetic location: 20p12.3.
Variant type: single nucleotide variant.
Coding change: c.868C>T on transcript NM_144773.4 (MANE Select); coding-DNA position 868, C replaced by T.
Protein change: p.Pro290Ser; replaces proline 290 with serine.
Molecular consequence: missense variant.
Genome position (GRCh38, 1-based): chr20:5,302,327, G>A on the plus strand (C>T on the coding strand, the complement: PROKR2 is on the minus strand). VCF-style: chr20-5302327-G-A. GRCh37 (hg19) VCF-style: chr20-5282973-G-A.
Other names: short protein forms P290S.
Identifiers: ClinVar variation 897086 (VCV000897086.23), dbSNP rs149992595, ClinGen allele CA9754257.

ClinVar aggregate classification (germline): Conflicting classifications of pathogenicity. Review status: criteria provided, conflicting classifications (1 of 4 stars). 10 submissions from 10 submitters: Pathogenic (2); Likely pathogenic (2); Uncertain significance (5). 1 of the submissions does not count toward it. Last evaluated 2025-11-06.

Conditions:
Male infertility with spermatogenesis disorder. Identifiers: Orphanet 399775, MedGen C5681167, MONDO:0018391.
Hypogonadotropic hypogonadism. Also called: Hypogonadotropic hypogonadism with or without anosmia; Hypogonadotrophic hypogonadism; Isolated hypogonadotropic hypogonadism; Low gonadotropins (secondary hypogonadism). Identifiers: Orphanet 432, MedGen C0271623, MONDO:0018555, HP:0000044.
Hypogonadotropic hypogonadism 3 with or without anosmia (HH3). Also called: HYPOGONADOTROPIC HYPOGONADISM 3 WITH ANOSMIA; PROKR2-Related GnRH Deficiency (Kallmann Syndrome 3). Identifiers: Orphanet 478, MedGen C3550478, MONDO:0009482, OMIM 244200.

Allele frequency attached by ClinVar (database versions not stated): gnomAD 0.00010; ExAC 0.00011; gnomAD exomes 0.00013; TOPMed 0.00014; ESP Exome Variant Server 0.00015.
gnomAD v4.1: 382 of 1,614,204 alleles (0.024%); highest among the groups gnomAD compares: Admixed American, 0.035%; no homozygotes.

Submissions (10):

Labcorp Genetics (formerly Invitae), Labcorp
Classification: Pathogenic. Last evaluated: 2025-11-06. Review status: criteria provided, single submitter. Criteria: Invitae Variant Classification Sherloc (09022015). Collection method: clinical testing. Allele origin: germline.
Comment: This sequence change replaces proline, which is neutral and non-polar, with serine, which is neutral and polar, at codon 290 of the PROKR2 protein (p.Pro290Ser). This variant is present in population databases (rs149992595, gnomAD 0.04%). This missense change has been observed in individuals with autosomal recessive Kallman syndrome (PMID: 24031091, 34539727). ClinVar contains an entry for this variant (Variation ID: 897086). Invitae Evidence Modeling of protein sequence and biophysical properties (such as structural, functional, and spatial information, amino acid conservation, physicochemical variation, residue mobility, and thermodynamic stability) indicates that this missense variant is expected to disrupt PROKR2 protein function with a positive predictive value of 80%. Experimental studies have shown that this missense change affects PROKR2 function (PMID: 18826963, 24753254, 24830383, 29161432, 35173048). For these reasons, this variant has been classified as Pathogenic.

Victorian Clinical Genetics Services, Murdoch Childrens Research Institute
Classification: Uncertain significance for Hypogonadotropic hypogonadism 3 with or without anosmia. Last evaluated: 2025-05-22. Review status: criteria provided, single submitter. Criteria: ACMG Guidelines, 2015. Collection method: clinical testing. Allele origin: germline. Affected: yes.
Comment: This variant is classified as VUS-3C. Evidence in support of pathogenic classification: Variant is present in gnomAD <0.01 (v4: 382 heterozygote(s), 0 homozygote(s)); Functional analysis has shown that this variant results in reduced downstream MAPK signalling and mis-localisation of the protein (PMIDs: 29161432, 35173048); Missense variant predicted to be damaging by in silico tool(s) or highly conserved with a major amino acid change. Additional information: Variant is predicted to result in a missense amino acid change from proline to serine; This variant is heterozygous; This gene is associated with both recessive and dominant hypogonadotropic hypogonadism 3 with or without anosmia (MIM#244200); Alternative amino acid change(s) at the same position are present in gnomAD (Highest allele count: v4: 2 heterozygote(s), 0 homozygote(s) ; Previous reports of pathogenicity for this variant are conflicting. This variant has been classified as pathogenic, likely pathogenic, and as a VUS by clinical laboratories in ClinVar. In addition, this variant has been reported in the literature in both a heterozygous or homozygous state in individuals with hypogonadotropic hypothyroidism (PMIDs: 20022991, 34539727, 39659563). However, unaffected heterozygous and homozygous individuals have also been reported (PMID: 34539727); No comparable missense variants have previous evidence for pathogenicity; Variant is located in the annotated transmembrane domain 6 (PMID: 35173048); Dominant negative and loss of function are known mechanisms of disease in this gene and are associated with hypogonadotropic hypogonadism 3 with or without anosmia (MIM#244200) (PMIDs: 18826963, 29161432); The condition associated with this gene has incomplete penetrance (OMIM, PMID: 18682503); Inheritance information for this variant is not currently available in this individual.

Women's Health and Genetics/Laboratory Corporation of America, LabCorp
Classification: Pathogenic for Hypogonadotropic hypogonadism 3 with or without anosmia. Last evaluated: 2025-04-16. Review status: criteria provided, single submitter. Criteria: LabCorp Variant Classification Summary - May 2015. Collection method: clinical testing. Allele origin: germline.
Comment: Variant summary: PROKR2 c.868C>T (p.Pro290Ser) results in a non-conservative amino acid change in the encoded protein sequence. Five of five in-silico tools predict a damaging effect of the variant on protein function. The variant allele was found at a frequency of 0.00013 in 251464 control chromosomes. This frequency is not significantly higher than estimated for a pathogenic variant in PROKR2 causing Kallmann Syndrome 3, allowing no conclusion about variant significance. c.868C>T has been observed in multiple individuals affected with Kallmann Syndrome 3 (Dode_2006, Mkaouar_2021, Sarfati_2013). These data indicate that the variant is very likely to be associated with disease. At least one publication reports experimental evidence evaluating an impact on protein function (Monnier_2009). The most pronounced variant effect results in residual ligand-mediated signaling activity and this effect is most likely due to impaired cell surface-targeting of the receptor. The following publications have been ascertained in the context of this evaluation (PMID: 17054399, 34539727, 18826963, 24031091). ClinVar contains an entry for this variant (Variation ID: 897086). Based on the evidence outlined above, the variant was classified as pathogenic.

NHS Central & South Genomic Laboratory Hub
Classification: Uncertain significance for Hypogonadotropic hypogonadism. Last evaluated: 2025-04-09. Review status: criteria provided, single submitter. Criteria: ACMG Guidelines, 2015. Collection method: clinical testing. Allele origin: germline. Affected: yes.

Fulgent Genetics
Classification: Uncertain significance for Hypogonadotropic hypogonadism 3 with or without anosmia. Last evaluated: 2024-02-09. Review status: criteria provided, single submitter. Criteria: ACMG Guidelines, 2015. Collection method: clinical testing. Allele origin: germline.

Laboratoire de Génétique Moléculaire, CHU Bordeaux
Classification: Likely pathogenic for Hypogonadotropic hypogonadism 3 with or without anosmia. Last evaluated: 2023-12-05. Review status: criteria provided, single submitter. Criteria: ACMG Guidelines, 2015. Collection method: clinical testing. Allele origin: germline. Affected: yes.

Laan Lab, Human Genetics Research Group, University of Tartu
Classification: Likely pathogenic for Male infertility with spermatogenesis disorder. Last evaluated: 2023-09-01. Review status: criteria provided, single submitter. Criteria: ACMG Guidelines, 2015. Collection method: research. Allele origin: germline. Inheritance: Oligogenic inheritance. Affected: yes. Observed: 1 heterozygote.

GeneDx
Classification: Uncertain significance. Last evaluated: 2020-06-19. Review status: criteria provided, single submitter. Criteria: GeneDx Variant Classification Process June 2021. Collection method: clinical testing. Allele origin: germline. Affected: yes.
Comment: Identified in patients with Kallmann syndrome in published literature, in both the heterozygous and homozygous state (Dode et al., 2006; Sarfati et al., 2013); Observed in heterozygous state in clinically unaffected adults in published literature (Moya-Plana et al., 2013; Sarfati et al., 2013), and in at least one clinically unaffected adult relative of an individual referred for genetic testing at GeneDx; Published functional studies demonstrate a damaging effect due to impaired calcium signaling and cell surface targeting of the receptor (Monnier et al., 2009); In silico analysis supports that this missense variant has a deleterious effect on protein structure/function; This variant is associated with the following publications: (PMID: 17054399, 24031091, 23082007, 29161432, 23643382, 19707180, 18985070, 20022991, 21858136, 26088945, 24753254, 24830383, 20389090, 18826963)

Illumina Laboratory Services, Illumina
Classification: Uncertain significance for Hypogonadotropic hypogonadism 3 with or without anosmia. Last evaluated: 2017-04-28. Review status: criteria provided, single submitter. Criteria: ICSL Variant Classification Criteria 13 December 2019. Collection method: clinical testing. Allele origin: germline.
Comment: This variant was observed as part of a predisposition screen in an ostensibly healthy population. A literature search was performed for the gene, cDNA change, and amino acid change (where applicable). Publications were found based on this search. However, the evidence from the literature, in combination with allele frequency data from public databases where available, was not sufficient to rule this variant in or out of causing disease. Therefore, this variant is classified as a variant of unknown significance.

Genomics England Pilot Project, Genomics England
Classification: Likely pathogenic for Hypogonadotropic hypogonadism 3 with or without anosmia. Review status: no assertion criteria provided. Criteria: ACGS Guidelines, 2016. Collection method: clinical testing. Allele origin: germline. Affected: yes. Not counted in ClinVar's aggregate classification.

Literature cited by the submitters: PubMed 24031091 (cited by 3 submitters); PubMed 34539727 (cited by 3 submitters); PubMed 18826963 (cited by 4 submitters); PubMed 24753254 (cited by Labcorp Genetics (formerly Invitae), Labcorp and Illumina Laboratory Services, Illumina); PubMed 24830383 (cited by Labcorp Genetics (formerly Invitae), Labcorp); PubMed 29161432 (cited by Labcorp Genetics (formerly Invitae), Labcorp and Victorian Clinical Genetics Services, Murdoch Childrens Research Institute); PubMed 35173048 (cited by Labcorp Genetics (formerly Invitae), Labcorp and Victorian Clinical Genetics Services, Murdoch Childrens Research Institute); PubMed 20022991 (cited by Victorian Clinical Genetics Services, Murdoch Childrens Research Institute and Illumina Laboratory Services, Illumina); PubMed 18682503 (cited by Victorian Clinical Genetics Services, Murdoch Childrens Research Institute); PubMed 39659563 (cited by Victorian Clinical Genetics Services, Murdoch Childrens Research Institute); PubMed 17054399 (cited by Women's Health and Genetics/Laboratory Corporation of America, LabCorp and Illumina Laboratory Services, Illumina); DOI 10.1016/j.ajhg.2024.03.013 (cited by Laan Lab, Human Genetics Research Group, University of Tartu); PubMed 23643382 (cited by Illumina Laboratory Services, Illumina); PubMed 21858136 (cited by Illumina Laboratory Services, Illumina); PubMed 20696889 (cited by Illumina Laboratory Services, Illumina); PubMed 23082007 (cited by Illumina Laboratory Services, Illumina).